The following is an entry in ClinVar:

ClinVar aggregate classification (germline): Uncertain significance. Review status: criteria provided, multiple submitters, no conflicts (2 of 4 stars). 2 submissions from 2 submitters: Uncertain significance (2). Last evaluated 2022-02-02.

Conditions:
Peroxisome biogenesis disorder, complementation group 7 (CG7). Also called: Peroxisome biogenesis disorder, complementation group B. Identifiers: MedGen C1864399.

Allele frequency attached by ClinVar (database versions not stated): gnomAD 0.00001; ExAC 0.00030.
gnomAD v4.1: 40 of 1,363,966 alleles (0.0029%); highest among the groups gnomAD compares: South Asian, 0.026%; 2 homozygotes.

Submissions (2):

Labcorp Genetics (formerly Invitae), Labcorp
Classification: Uncertain significance for Peroxisome biogenesis disorder, complementation group 7. Last evaluated: 2022-02-02. Review status: criteria provided, single submitter. Criteria: Invitae Variant Classification Sherloc (09022015). Collection method: clinical testing. Allele origin: germline.
Comment: This sequence change replaces alanine, which is neutral and non-polar, with serine, which is neutral and polar, at codon 2 of the PEX10 protein (p.Ala2Ser). This variant is present in population databases (rs770336711, gnomAD 0.07%), including at least one homozygous and/or hemizygous individual. This variant has not been reported in the literature in individuals affected with PEX10-related conditions. Algorithms developed to predict the effect of missense changes on protein structure and function (SIFT, PolyPhen-2, Align-GVGD) all suggest that this variant is likely to be tolerated. In summary, the available evidence is currently insufficient to determine the role of this variant in disease. Therefore, it has been classified as a Variant of Uncertain Significance.

Revvity Omics, Revvity
Classification: Uncertain significance. Last evaluated: 2021-01-09. Review status: criteria provided, single submitter. Criteria: ACMG Guidelines, 2015. Collection method: clinical testing. Allele origin: germline.

NM_002617.4(PEX10):c.4G>T (p.Ala2Ser)

Gene: PEX10 (peroxisomal biogenesis factor 10; minus strand). Cytogenetic location: 1p36.32.
Variant type: single nucleotide variant.
Coding change: c.4G>T on transcript NM_002617.4 (MANE Select); coding-DNA position 4, G replaced by T.
Protein change: p.Ala2Ser; replaces alanine 2 with serine.
Molecular consequence: missense variant. On other transcripts: intron variant (2).
Genome position (GRCh38, 1-based): chr1:2,412,499, C>A on the plus strand (G>T on the coding strand, the complement: PEX10 is on the minus strand). VCF-style: chr1-2412499-C-A. GRCh37 (hg19) VCF-style: chr1-2343938-C-A.
Other names: c.4G>T (NM_153818.1); c.4G>T, p.Ala2Ser (NM_001374425.1, NM_153818.2); c.-321+1098G>T (NM_001374427.1, NM_001374426.1); short protein forms A2S.
Identifiers: ClinVar variation 1439852 (VCV001439852.5), dbSNP rs770336711, ClinGen allele CA538320.
Genomic context (GRCh38, chr1:2,412,499, plus strand): 5'-GGTAGTACTCGTCCTTCTGCGCCGCGCGGATCACCTCCGGGGGGCTGGCGGCGGCCGGGG[C>A]CATGGCCGCGGGTTCGGGTGGTCCCGAGCAGCCACGCCGGCCACGCCCACGCCCAGACGG-3'
Protein context (NP_002608.1, residues 1-12): M[Ala2Ser]PAAASPPEVI